The following is an entry in ClinVar:

NM_002430.3(MN1):c.2833C>T (p.Arg945Cys)

Gene: MN1 (MN1 proto-oncogene, transcriptional regulator; minus strand). Cytogenetic location: 22q12.1.
Variant type: single nucleotide variant.
Coding change: c.2833C>T on transcript NM_002430.3 (MANE Select); coding-DNA position 2833, C replaced by T.
Protein change: p.Arg945Cys; replaces arginine 945 with cysteine.
Molecular consequence: missense variant.
Genome position (GRCh38, 1-based): chr22:27,797,711, G>A on the plus strand (C>T on the coding strand, the complement: MN1 is on the minus strand). VCF-style: chr22-27797711-G-A. GRCh37 (hg19) VCF-style: chr22-28193699-G-A.
Other names: short protein forms R945C.
Identifiers: ClinVar variation 3391671 (VCV003391671.1).

ClinVar aggregate classification (germline): Uncertain significance (1 of 4 stars; one submission).

gnomAD v4.1: 2 of 1,610,630 alleles (0.00012%); highest among the groups gnomAD compares: Non-Finnish European, 0.00017%; no homozygotes.

Submission:

GeneDx
Classification: Uncertain significance. Last evaluated: 2024-06-17. Review status: criteria provided, single submitter. Criteria: GeneDx Variant Classification Process June 2021. Collection method: clinical testing. Allele origin: germline. Affected: yes.
Comment: Not observed at significant frequency in large population cohorts (gnomAD); In silico analysis supports that this missense variant has a deleterious effect on protein structure/function; Has not been previously published as pathogenic or benign to our knowledge